The following is an entry in ClinVar:

NC_012920.1(MT-ND1):m.3670G>A

Gene: MT-ND1 (mitochondrially encoded NADH dehydrogenase 1; plus strand).
Variant type: single nucleotide variant.
Genome position: chrM-3670-G-A.
Other names: (p.Ala122Thr).
Identifiers: ClinVar variation 692386 (VCV000692386.2), dbSNP rs1603219074, ClinGen allele CA414773271.

ClinVar aggregate classification (germline): Uncertain significance. Review status: criteria provided, multiple submitters, no conflicts (2 of 4 stars). 2 submissions from 2 submitters: Uncertain significance (2). Last evaluated 2019-12-09.

Conditions:
Leigh syndrome (NULS). Also called: Leigh's syndrome; LEIGH SYNDROME, NUCLEAR; Leigh's necrotizing encephalopathy; Leigh's disease; Leigh Syndrome (mtDNA deletion); Leigh Disease. Identifiers: Orphanet 506, MedGen C2931891, MONDO:0009723, OMIM 256000.
Ptosis. Also called: Ptosis (disease). Identifiers: MedGen C0005745, MONDO:0000728, HP:0000508.
Abnormal CSF lactate concentration. Also called: Abnormal CSF lactate level. Identifiers: MedGen C4022656, HP:0030085.
Increased circulating lactate concentration. Also called: Increased serum lactate. Identifiers: MedGen C1836440, HP:0002151.
Abnormality of eye movement. Identifiers: MedGen C0497202, HP:0000496.
Gait disturbance. Also called: Gait abnormality; Abnormal gait. Identifiers: MedGen C0575081, HP:0001288.
Dysarthria. Identifiers: MedGen C0013362, HP:0001260.

Submissions (2):

MGZ Medical Genetics Center
Classification: Uncertain significance for Abnormality of eye movement; Ptosis; Dysarthria; Gait disturbance; Increased circulating lactate concentration; Abnormal CSF lactate concentration. Last evaluated: 2019-12-09. Review status: criteria provided, single submitter. Criteria: ACMG Guidelines, 2015. Collection method: clinical testing. Allele origin: unknown. Affected: yes. Observed: 1 variant allele.

Wong Mito Lab, Molecular and Human Genetics, Baylor College of Medicine
Classification: Uncertain significance for Leigh syndrome. Last evaluated: 2019-10-17. Review status: criteria provided, single submitter. Criteria: Modified ACMG Guidelines (Unpublished). Collection method: clinical testing. Allele origin: germline.
Comment: The NC_012920.1:m.3670G>A (YP_003024026.1:p.Ala122Thr) variant in MTND1 gene is interpretated to be a Uncertain Significance variant based on the modified ACMG guidelines (unpublished). This variant meets the following evidence codes: PM10, PP4, PP6, PP7